The following is an entry in ClinVar:

NM_001369369.1(FOXN1):c.1136-10G>A

Gene: FOXN1 (forkhead box N1; plus strand). Cytogenetic location: 17q11.2.
Variant type: single nucleotide variant.
Coding change: c.1136-10G>A on transcript NM_001369369.1 (MANE Select); 10 bases into the intron before coding-DNA position 1136, G replaced by A.
Molecular consequence: intron variant.
Genome position (GRCh38, 1-based): chr17:28,534,697, G>A. VCF-style: chr17-28534697-G-A. GRCh37 (hg19) VCF-style: chr17-26861715-G-A.
Other names: c.1136-10G>A (NM_003593.3).
Identifiers: ClinVar variation 4739002 (VCV004739002.1).

ClinVar aggregate classification (germline): Uncertain significance (1 of 4 stars; one submission).

Conditions:
T-cell immunodeficiency, congenital alopecia, and nail dystrophy. Also called: Congenital alopecia and nail dystrophy associated with severe functional T-cell immunodeficiency; Pignata Guarino syndrome. Identifiers: Orphanet 169095, MedGen C1866426, MONDO:0011132, OMIM 601705.

gnomAD v4.1: 9 of 1,613,186 alleles (0.00056%); highest among the groups gnomAD compares: Non-Finnish European, 0.00076%; no homozygotes.

Submission:

Labcorp Genetics (formerly Invitae), Labcorp
Classification: Uncertain significance for T-cell immunodeficiency, congenital alopecia, and nail dystrophy. Last evaluated: 2025-11-11. Review status: criteria provided, single submitter. Criteria: Invitae Variant Classification Sherloc (09022015). Collection method: clinical testing. Allele origin: germline.
Comment: This sequence change falls in intron 6 of the FOXN1 gene. It does not directly change the encoded amino acid sequence of the FOXN1 protein. The frequency data for this variant in the population databases is considered unreliable, as metrics indicate poor data quality at this position in the gnomAD database. This variant has not been reported in the literature in individuals affected with FOXN1-related conditions. Algorithms developed to predict the effect of sequence changes on RNA splicing suggest that this variant may disrupt the consensus splice site. In summary, the available evidence is currently insufficient to determine the role of this variant in disease. Therefore, it has been classified as a Variant of Uncertain Significance.